The following is an entry in ClinVar:

ClinVar aggregate classification (germline): Likely benign. Review status: criteria provided, single submitter (1 of 4 stars). 2 submissions from 2 submitters: Likely benign (1). 1 of the submissions does not count toward it. Last evaluated 2021-09-01.

Allele frequency attached by ClinVar (database versions not stated): gnomAD exomes 0.00006 and 0.00004; gnomAD 0.00001; TOPMed 0.00002; ExAC 0.00006.
gnomAD v4.1: 61 of 1,614,022 alleles (0.0038%); highest among the groups gnomAD compares: African/African-American, 0.015%; no homozygotes.

Submissions (2):

Ambry Genetics
Classification: Likely benign. Last evaluated: 2021-09-01. Review status: criteria provided, single submitter. Criteria: Ambry Variant Classification Scheme 2023. Collection method: clinical testing. Allele origin: germline.

Department of Pathology and Laboratory Medicine, Sinai Health System
Classification: Uncertain significance. Review status: no assertion criteria provided. Collection method: clinical testing. Allele origin: unknown. Affected: yes. Study: The Canadian Open Genetics Repository (COGR). Not counted in ClinVar's aggregate classification.
Comment: The CFAP65 p.V820I variant was not identified in the literature nor was it identified in ClinVar.Â¬â€ The variant was identified in dbSNP (ID: rs752204587) and in control databases in 15 of 282646 chromosomes at a frequency of 0.00005307 (Genome Aggregation Database March 6, 2019, v2.1.1).Â¬â€ The p.V820 residue is not conserved in mammals and other organisms and computational analyses (MUT Assesor, PolyPhen-2, SIFT, MutationTaster, Revel, FATHMM, MetaLR, DANN) do not suggest a high likelihood of impact to the protein; Â¬â€ this information is not predictive enough to rule out pathogenicity.Â¬â€ The variant occurs outside of the splicing consensus sequence and in silico or computational prediction software programs (Splice AI exome) do not predict a difference in splicing.Â¬â€ In summary, based on the above information the clinical significance of this variant cannot be determined with certainty at this time. This variant is classified as a variant of uncertain significance.

NM_194302.4(CFAP65):c.2458G>A (p.Val820Ile)

Gene: CFAP65 (cilia and flagella associated protein 65; minus strand). Cytogenetic location: 2q35.
Variant type: single nucleotide variant.
Coding change: c.2458G>A on transcript NM_194302.4 (MANE Select); coding-DNA position 2458, G replaced by A.
Protein change: p.Val820Ile; replaces valine 820 with isoleucine.
Molecular consequence: missense variant.
Genome position (GRCh38, 1-based): chr2:219,024,152, C>T on the plus strand (G>A on the coding strand, the complement: CFAP65 is on the minus strand). VCF-style: chr2-219024152-C-T. GRCh37 (hg19) VCF-style: chr2-219888874-C-T.
Other names: c.2458G>A (NM_194302.2); short protein forms V820I.
Identifiers: ClinVar variation 1049308 (VCV001049308.4), dbSNP rs752204587, ClinGen allele CA2115626.